The following is an entry in ClinVar:

NM_015557.3(CHD5):c.5677C>A (p.Gln1893Lys)

Gene: CHD5 (chromodomain helicase DNA binding protein 5; minus strand). Cytogenetic location: 1p36.31.
Variant type: single nucleotide variant.
Coding change: c.5677C>A on transcript NM_015557.3 (MANE Select); coding-DNA position 5677, C replaced by A.
Protein change: p.Gln1893Lys; replaces glutamine 1893 with lysine.
Molecular consequence: missense variant.
Genome position (GRCh38, 1-based): chr1:6,106,681, G>T on the plus strand (C>A on the coding strand, the complement: CHD5 is on the minus strand). VCF-style: chr1-6106681-G-T. GRCh37 (hg19) VCF-style: chr1-6166741-G-T.
Other names: short protein forms Q1893K.
Identifiers: ClinVar variation 4687246 (VCV004687246.1).

ClinVar aggregate classification (germline): Uncertain significance (1 of 4 stars; one submission).

Submission:

Women's Health and Genetics/Laboratory Corporation of America, LabCorp
Classification: Uncertain significance. Last evaluated: 2025-10-16. Review status: criteria provided, single submitter. Criteria: LabCorp Variant Classification Summary - May 2015. Collection method: clinical testing. Allele origin: germline.
Comment: Variant summary: CHD5 c.5677C>A (p.Gln1893Lys) results in a conservative amino acid change in the encoded protein sequence. Algorithms developed to predict the effect of missense changes on protein structure and function are either unavailable or do not agree on the potential impact of this missense change. The variant was absent in 242730 control chromosomes. The available data on variant occurrences in the general population are insufficient to allow any conclusion about variant significance. To our knowledge, no occurrence of c.5677C>A in individuals affected with CHD5-related conditions and no experimental evidence demonstrating its impact on protein function have been reported. No submitters have cited clinical-significance assessments for this variant to ClinVar. Based on the evidence outlined above, the variant was classified as uncertain significance.